The following is an entry in ClinVar:

NM_001127222.2(CACNA1A):c.772G>A (p.Glu258Lys)

Gene: CACNA1A (calcium voltage-gated channel subunit alpha1 A; minus strand). Cytogenetic location: 19p13.13.
Variant type: single nucleotide variant.
Coding change: c.772G>A on transcript NM_001127222.2 (MANE Select); coding-DNA position 772, G replaced by A.
Protein change: p.Glu258Lys; replaces glutamic acid 258 with lysine.
Molecular consequence: missense variant.
Genome position (GRCh38, 1-based): chr19:13,365,329, C>T on the plus strand (G>A on the coding strand, the complement: CACNA1A is on the minus strand). VCF-style: chr19-13365329-C-T. GRCh37 (hg19) VCF-style: chr19-13476143-C-T.
Other names: c.772G>A, p.Glu258Lys (NM_000068.4, NM_001127221.2, NM_001174080.2 and 1 more transcripts); short protein forms E258K.
Identifiers: ClinVar variation 1878765 (VCV001878765.1), dbSNP rs2513175300, ClinGen allele CA404348258.

ClinVar aggregate classification (germline): Uncertain significance (1 of 4 stars; one submission).

Submission:

GeneDx
Classification: Uncertain significance. Last evaluated: 2022-07-12. Review status: criteria provided, single submitter. Criteria: GeneDx Variant Classification Process June 2021. Collection method: clinical testing. Allele origin: germline. Affected: yes.
Comment: Not observed at significant frequency in large population cohorts (gnomAD); In silico analysis supports that this missense variant does not alter protein structure/function; Has not been previously published as pathogenic or benign to our knowledge